The following is an entry in ClinVar:

ClinVar aggregate classification (germline): Likely benign (1 of 4 stars; one submission).

gnomAD v4.1: 78 of 151,594 alleles (0.051%); highest among the groups gnomAD compares: East Asian, 0.85%; no homozygotes.

Submission:

CeGaT Center for Human Genetics Tuebingen
Classification: Likely benign. Last evaluated: 2025-12-01. Review status: criteria provided, single submitter. Criteria: CeGaT Center For Human Genetics Tuebingen Variant Classification Criteria Version 2. Collection method: clinical testing. Allele origin: germline. Affected: yes. Observed: 1 variant allele.
Comment: NNT: BP4, BP7

NM_182977.3(NNT):c.1444+1020C>T

Gene: NNT (nicotinamide nucleotide transhydrogenase; plus strand). Cytogenetic location: 5p12.
Variant type: single nucleotide variant.
Coding change: c.1444+1020C>T on transcript NM_182977.3 (MANE Select); 1020 bases into the intron after coding-DNA position 1444, C replaced by T.
Molecular consequence: intron variant.
Genome position (GRCh38, 1-based): chr5:43,646,530, C>T. VCF-style: chr5-43646530-C-T. GRCh37 (hg19) VCF-style: chr5-43646632-C-T.
Other names: c.1444+1020C>T (NM_012343.4); c.1051+1020C>T (NM_001331026.2).
Identifiers: ClinVar variation 4681612 (VCV004681612.5).
Genomic context (GRCh38, chr5:43,646,530, plus strand): 5'-TTTTTTTTTTGTAGAGACGGGGCTTCACCGTGTTGCCCAGGCTGGTCTTGAACTCCTGAG[C>T]TCAAGTGATCCTCCTGCCTTGGCCTCCCACAGTGCTGAGATTACTTTTATCTACATCAAA-3'